The following is an entry in ClinVar:

ClinVar aggregate classification (germline): Uncertain significance (1 of 4 stars; one submission).

Conditions:
POLD1-related polyposis and colorectal cancer syndrome (CRCS10). Also called: Colorectal cancer 10; COLORECTAL CANCER, SUSCEPTIBILITY TO, ON CHROMOSOME 19q; Colorectal cancer, susceptibility to, 10. Identifiers: Orphanet 220460, MedGen C2675481, MONDO:0012953, OMIM 612591.

gnomAD v4.1: 2 of 1,534,190 alleles (0.00013%); highest among the groups gnomAD compares: Non-Finnish European, 0.00017%; no homozygotes.

Submission:

Labcorp Genetics (formerly Invitae), Labcorp
Classification: Uncertain significance for POLD1-related polyposis and colorectal cancer syndrome. Last evaluated: 2026-01-14. Review status: criteria provided, single submitter. Criteria: Invitae Variant Classification Sherloc (09022015). Collection method: clinical testing. Allele origin: germline.
Comment: This sequence change replaces glycine, which is neutral and non-polar, with arginine, which is basic and polar, at codon 1023 of the POLD1 protein (p.Gly1023Arg). This variant also falls at the last nucleotide of exon 24, which is part of the consensus splice site for this exon. This variant is not present in population databases (gnomAD no frequency). This variant has not been reported in the literature in individuals affected with POLD1-related conditions. ClinVar contains an entry for this variant (Variation ID: 3715954). An algorithm developed to predict the effect of missense changes on protein structure and function (PolyPhen-2) suggests that this variant is likely to be disruptive. Variants that disrupt the consensus splice site are a relatively common cause of aberrant splicing (PMID: 17576681, 9536098). Algorithms developed to predict the effect of sequence changes on RNA splicing suggest that this variant may disrupt the consensus splice site. In summary, the available evidence is currently insufficient to determine the role of this variant in disease. Therefore, it has been classified as a Variant of Uncertain Significance.

Literature cited by the submitters: PubMed 17576681; PubMed 9536098.

NM_002691.4(POLD1):c.3067G>A (p.Gly1023Arg)

Gene: POLD1 (DNA polymerase delta 1, catalytic subunit; plus strand). Cytogenetic location: 19q13.33.
Variant type: single nucleotide variant.
Coding change: c.3067G>A on transcript NM_002691.4 (MANE Select); coding-DNA position 3067, G replaced by A.
Protein change: p.Gly1023Arg; replaces glycine 1023 with arginine.
Molecular consequence: missense variant. On other transcripts: non-coding transcript variant (1).
Genome position (GRCh38, 1-based): chr19:50,416,723, G>A. VCF-style: chr19-50416723-G-A. GRCh37 (hg19) VCF-style: chr19-50919980-G-A.
Other names: c.3067G>A, p.Gly1023Arg (NM_001256849.1); c.3145G>A, p.Gly1049Arg (NM_001308632.1); short protein forms G1023R, G1049R.
Identifiers: ClinVar variation 3715954 (VCV003715954.2).